The following is an entry in ClinVar:

NM_001197104.2(KMT2A):c.5056C>G (p.Arg1686Gly)

Gene: KMT2A (lysine methyltransferase 2A; plus strand). Cytogenetic location: 11q23.3.
Variant type: single nucleotide variant.
Coding change: c.5056C>G on transcript NM_001197104.2 (MANE Select); coding-DNA position 5056, C replaced by G.
Protein change: p.Arg1686Gly; replaces arginine 1686 with glycine.
Molecular consequence: missense variant.
Genome position (GRCh38, 1-based): chr11:118,493,108, C>G. VCF-style: chr11-118493108-C-G. GRCh37 (hg19) VCF-style: chr11-118363823-C-G.
Other names: c.5146C>G, p.Arg1716Gly (NM_001412597.1); c.5047C>G, p.Arg1683Gly (NM_005933.4); short protein forms R1683G, R1686G, R1716G.
Identifiers: ClinVar variation 3377215 (VCV003377215.1).

ClinVar aggregate classification (germline): Uncertain significance (1 of 4 stars; one submission).

Conditions:
Wiedemann-Steiner syndrome (WDSTS). Also called: Growth deficiency and mental retardation with facial dysmorphism. Identifiers: Orphanet 319182, MedGen C1854630, MONDO:0011518, OMIM 605130.

Submission:

Victorian Clinical Genetics Services, Murdoch Childrens Research Institute
Classification: Uncertain significance for Wiedemann-Steiner syndrome. Last evaluated: 2024-10-09. Review status: criteria provided, single submitter. Criteria: ACMG Guidelines, 2015. Collection method: clinical testing. Allele origin: germline. Inheritance: Autosomal dominant inheritance. Affected: yes.
Comment: Based on the classification scheme VCGS_Germline_v1.3.4, this variant is classified as VUS-3A. Following criteria are met: 0102 - Loss of function is a known mechanism of disease in this gene and is associated with Wiedemann-Steiner Syndrome (MIM#605130). (I) 0107 - This gene is associated with autosomal dominant disease. (I) 0200 - Variant is predicted to result in a missense amino acid change from arginine to glycine. (I) 0251 - This variant is heterozygous. (I) 0301 - Variant is absent from gnomAD (both v2 and v3). (SP) 0309 - An alternative amino acid change at the same position has been observed in gnomAD (v3) (3 heterozygotes, 0 homozygotes). (I) 0501 - Missense variant consistently predicted to be damaging by multiple in silico tools or highly conserved with a major amino acid change. (SP) 0604 - Variant is not located in an established domain, motif, hotspot or informative constraint region. (I) 0710 - Another missense variant comparable to the one identified in this case has inconclusive previous evidence for pathogenicity. p.(Arg1686Cys) has been reported once as a variant of uncertain significance and once as likely benign by clinical laboratories (ClinVar). In addition, p.(Arg1686His) has been reported once within a cohort of autism spectrum and intellectual disability patients (PMID: 33004838). (I) 0807 - This variant has no previous evidence of pathogenicity. (I) 0905 - No published segregation evidence has been identified for this variant. (I) 1007 - No published functional evidence has been identified for this variant. (SP) Legend: (SP) - Supporting pathogenic, (I) - Information, (SB) - Supporting benign

Literature cited by the submitters: PubMed 33004838.